The following is an entry in ClinVar:

ClinVar aggregate classification (germline): Conflicting classifications of pathogenicity. Review status: criteria provided, conflicting classifications (1 of 4 stars). 6 submissions from 6 submitters: Uncertain significance (1); Benign (1); Likely benign (4). Last evaluated 2026-04-22.

Conditions:
Inborn genetic diseases. Identifiers: MedGen C0950123, MeSH D030342.
Neurodevelopmental disorder with or without hyperkinetic movements and seizures, autosomal dominant. Also called: Intellectual disability, autosomal dominant 8. Identifiers: MedGen C3280282, MONDO:0013655, OMIM 614254.

Allele frequency attached by ClinVar (database versions not stated): gnomAD exomes 0.00003 and 0.00006; ExAC 0.00006; ESP Exome Variant Server 0.00015; gnomAD 0.00021 and 0.00023; TOPMed 0.00022.
gnomAD v4.1: 71 of 1,613,472 alleles (0.0044%); highest among the groups gnomAD compares: African/African-American, 0.084%; no homozygotes.

Submissions (6):

Women's Health and Genetics/Laboratory Corporation of America, LabCorp
Classification: Likely benign. Last evaluated: 2026-04-22. Review status: criteria provided, single submitter. Criteria: LabCorp Variant Classification Summary - May 2015. Collection method: clinical testing. Allele origin: germline.

Labcorp Genetics (formerly Invitae), Labcorp
Classification: Likely benign for Neurodevelopmental disorder with or without hyperkinetic movements and seizures, autosomal dominant. Last evaluated: 2025-09-26. Review status: criteria provided, single submitter. Criteria: Invitae Variant Classification Sherloc (09022015). Collection method: clinical testing. Allele origin: germline.

Athena Diagnostics
Classification: Benign. Last evaluated: 2019-03-05. Review status: criteria provided, single submitter. Criteria: Athena Diagnostics Criteria. Collection method: clinical testing. Allele origin: germline.

GeneDx
Classification: Likely benign. Last evaluated: 2017-12-06. Review status: criteria provided, single submitter. Criteria: GeneDx Variant Classification (06012015). Collection method: clinical testing. Allele origin: germline. Affected: yes.
Comment: This variant is considered likely benign or benign based on one or more of the following criteria: it is a conservative change, it occurs at a poorly conserved position in the protein, it is predicted to be benign by multiple in silico algorithms, and/or has population frequency not consistent with disease.

Ambry Genetics
Classification: Likely benign for Inborn genetic diseases. Last evaluated: 2017-03-16. Review status: criteria provided, single submitter. Criteria: Ambry Variant Classification Scheme 2023. Collection method: clinical testing. Allele origin: germline.

Genetic Services Laboratory, University of Chicago
Classification: Uncertain significance. Last evaluated: 2014-12-16. Review status: criteria provided, single submitter. Criteria: ACMG Guidelines, 2015. Collection method: clinical testing. Allele origin: germline.

NM_007327.4(GRIN1):c.1005T>C (p.Thr335=)

Gene: GRIN1 (glutamate ionotropic receptor NMDA type subunit 1; plus strand). Cytogenetic location: 9q34.3.
Variant type: single nucleotide variant.
Coding change: c.1005T>C on transcript NM_007327.4 (MANE Select); coding-DNA position 1005, T replaced by C.
Protein change: p.Thr335=; no amino-acid change (threonine 335 retained).
Molecular consequence: synonymous variant.
Genome position (GRCh38, 1-based): chr9:137,158,415, T>C. VCF-style: chr9-137158415-T-C. GRCh37 (hg19) VCF-style: chr9-140052867-T-C.
Other names: c.1005T>C, p.Thr335= (NM_000832.7, NM_021569.4); c.1068T>C, p.Thr356= (NM_001185090.2, NM_001185091.2).
Identifiers: ClinVar variation 211107 (VCV000211107.23), dbSNP rs145176345, ClinGen allele CA205059.